The following is an entry in ClinVar:

ClinVar aggregate classification (germline): Uncertain significance (1 of 4 stars; one submission).

gnomAD v4.1: 3 of 1,566,734 alleles (0.00019%); highest among the groups gnomAD compares: Non-Finnish European, 0.00026%; no homozygotes.

Submission:

Labcorp Genetics (formerly Invitae), Labcorp
Classification: Uncertain significance. Last evaluated: 2026-01-26. Review status: criteria provided, single submitter. Criteria: Invitae Variant Classification Sherloc (09022015). Collection method: clinical testing. Allele origin: germline.
Comment: This sequence change replaces proline, which is neutral and non-polar, with leucine, which is neutral and non-polar, at codon 15 of the COL11A2 protein (p.Pro15Leu). This variant is not present in population databases (gnomAD no frequency). This variant has not been reported in the literature in individuals affected with COL11A2-related conditions. Invitae Evidence Modeling of protein sequence and biophysical properties (such as structural, functional, and spatial information, amino acid conservation, physicochemical variation, residue mobility, and thermodynamic stability) indicates that this missense variant is not expected to disrupt COL11A2 protein function with a negative predictive value of 95%. In summary, the available evidence is currently insufficient to determine the role of this variant in disease. Therefore, it has been classified as a Variant of Uncertain Significance.

NM_080680.3(COL11A2):c.44C>T (p.Pro15Leu)

Gene: COL11A2 (collagen type XI alpha 2 chain; minus strand). Cytogenetic location: 6p21.32.
Variant type: single nucleotide variant.
Coding change: c.44C>T on transcript NM_080680.3 (MANE Select); coding-DNA position 44, C replaced by T.
Protein change: p.Pro15Leu; replaces proline 15 with leucine.
Molecular consequence: missense variant. On other transcripts: intron variant (1).
Genome position (GRCh38, 1-based): chr6:33,192,197, G>A on the plus strand (C>T on the coding strand, the complement: COL11A2 is on the minus strand). VCF-style: chr6-33192197-G-A. GRCh37 (hg19) VCF-style: chr6-33159974-G-A.
Other names: c.44C>T, p.Pro15Leu (NM_001163771.2, NM_001424108.1, NM_080679.3 and 1 more transcripts); c.-765+828C>T (NM_001424111.1); short protein forms P15L.
Identifiers: ClinVar variation 4811640 (VCV004811640.1).